The following is an entry in ClinVar:

NM_006017.3(PROM1):c.622del (p.Thr208fs)

Gene: PROM1 (prominin 1; minus strand). Cytogenetic location: 4p15.32.
Variant type: Deletion.
Coding change: c.622del on transcript NM_006017.3 (MANE Select); coding-DNA position 622, one base deleted (A; older notation c.622delA).
Protein change: p.Thr208fs; shifts the reading frame from threonine 208.
Molecular consequence: frameshift variant.
Genome position (GRCh38, 1-based): chr4:16,025,200, T deleted on the plus strand (A on the coding strand, the reverse complement: PROM1 is on the minus strand); the first of 3 consecutive T bases (chr4:16,025,200-16,025,202); deleting any one gives the same sequence. VCF-style (leftmost placement, unchanged base first): chr4-16025199-GT-G. GRCh37 (hg19) VCF-style: chr4-16026822-GT-G.
Other names: c.622delA (NM_006017.2); c.595del, p.Thr199fs (NM_001145847.2, NM_001145848.2, NM_001145851.2 and 4 more transcripts); c.622del, p.Thr208fs (NM_001145849.2, NM_001145850.2); short protein forms T208fs, T199fs.
Identifiers: ClinVar variation 402237 (VCV000402237.15), dbSNP rs766246531, ClinGen allele CA2867033.

ClinVar aggregate classification (germline): Pathogenic/Likely pathogenic. Review status: criteria provided, multiple submitters, no conflicts (2 of 4 stars). 5 submissions from 5 submitters: Pathogenic (4); Likely pathogenic (1). Last evaluated 2025-07-28.

Conditions:
PROM1-related disorder. Also called: PROM1-related disorders; PROM1-related condition.
Retinal macular dystrophy type 2 (MCDR2). Also called: Bull's eye macular dystrophy. Identifiers: Orphanet 319640, MedGen C4749334, MONDO:0011957, OMIM 608051.
Stargardt disease 4 (STGD4). Identifiers: Orphanet 827, MedGen C1863534, MONDO:0011370, OMIM 603786.
Retinitis pigmentosa 41 (RP41). Also called: RETINAL DEGENERATION, AUTOSOMAL RECESSIVE, PROMININ-RELATED. Identifiers: Orphanet 791, MedGen C2677516, MONDO:0012796, OMIM 612095.
Cone-rod dystrophy 12 (CORD12). Identifiers: Orphanet 1872, MedGen C2675210, MONDO:0012983, OMIM 612657.

Submissions (5):

Labcorp Genetics (formerly Invitae), Labcorp
Classification: Pathogenic. Last evaluated: 2025-07-28. Review status: criteria provided, single submitter. Criteria: Invitae Variant Classification Sherloc (09022015). Collection method: clinical testing. Allele origin: germline.
Comment: This sequence change creates a premature translational stop signal (p.Thr208Leufs*23) in the PROM1 gene. It is expected to result in an absent or disrupted protein product. Loss-of-function variants in PROM1 are known to be pathogenic (PMID: 17605048, 19718270, 24154662, 25474345). This variant is present in population databases (rs766246531, gnomAD 0.007%). This premature translational stop signal has been observed in individuals with autosomal recessive retinal disease (PMID: 25472526, 31129250). ClinVar contains an entry for this variant (Variation ID: 402237). For these reasons, this variant has been classified as Pathogenic.

PreventionGenetics, part of Exact Sciences
Classification: Pathogenic for PROM1-related condition. Last evaluated: 2024-11-27. Review status: criteria provided, single submitter. Criteria: ACMG Guidelines, 2015. Collection method: clinical testing. Allele origin: germline.
Comment: The PROM1 c.622delA variant is predicted to result in a frameshift and premature protein termination (p.Thr208Leufs*23). This variant has been reported in individuals with PROM1-related conditions along with a second PROM1 variant (for example, Zhao et al. 2015. PubMed ID: 25472526; Del Pozo-Valero et al. 2019. PubMed ID: 31129250; Table S1, Lin et al. 2024. PubMed ID: 38219857). This variant is reported in 0.0062% of alleles in individuals of European (Non-Finnish) descent in gnomAD. Frameshift variants in PROM1 are expected to be pathogenic. This variant is interpreted as pathogenic.

Department of Pathology and Laboratory Medicine, Sinai Health System
Classification: Pathogenic for Retinal macular dystrophy type 2; Stargardt disease 4; Cone-rod dystrophy 12; Retinitis pigmentosa 41. Last evaluated: 2023-07-27. Review status: criteria provided, single submitter. Criteria: ACMG Guidelines, 2015. Collection method: research. Allele origin: germline.

Blueprint Genetics
Classification: Pathogenic for PROM1-related disorders. Last evaluated: 2022-09-01. Review status: criteria provided, single submitter. Criteria: ACMG Guidelines, 2015. Collection method: clinical testing. Allele origin: germline. Affected: yes. Observed: 5 variant alleles.

Knight Diagnostic Laboratories, Oregon Health and Sciences University
Classification: Likely pathogenic for Retinitis pigmentosa 41. Last evaluated: 2016-04-19. Review status: criteria provided, single submitter. Criteria: ACMG Guidelines, 2015. Collection method: clinical testing. Allele origin: germline. Affected: no. Study: CSER-NextGen.
Comment: The c.622delA (p.Thr208Leufs*23) frame-shift variant in the PROM1 gene was previously seen in a patient with arRP as a compound heterozygote with another frame-shift variant further downstream (amino acid position: 453) (Zhao L. et al. 2015). Furthermore, a homozygous frameshift variant in exon 8 of the PROM1gene was shown to co-segregate with arRP (Permanyer J. et al., 2010). Because there are 26 exons in this gene, this evidence suggests that truncating variants that result in loss-of-function is a mechanism of disease. The frequency of the variant in the population databases (1000 Genomes, Exome Sequencing Project and ExAC) is either absent, or below the frequency for the disease-allele. Therefore, this collective evidence supports the classification of the c.622delA (p.Thr208Leufs*23) as a Likely Pathogenic variant in PROM1. We have confirmed this finding in our laboratory using Sanger sequencing.

Literature cited by the submitters: PubMed 17605048 (cited by Labcorp Genetics (formerly Invitae), Labcorp); PubMed 19718270 (cited by Labcorp Genetics (formerly Invitae), Labcorp); PubMed 24154662 (cited by Labcorp Genetics (formerly Invitae), Labcorp); PubMed 25474345 (cited by Labcorp Genetics (formerly Invitae), Labcorp); PubMed 25472526 (cited by Labcorp Genetics (formerly Invitae), Labcorp); PubMed 31129250 (cited by Labcorp Genetics (formerly Invitae), Labcorp).